The following is an entry in ClinVar:

NM_000535.7(PMS2):c.624A>G (p.Gln208=)

Gene: PMS2 (PMS1 homolog 2, mismatch repair system component; minus strand). Cytogenetic location: 7p22.1.
Variant type: single nucleotide variant.
Coding change: c.624A>G on transcript NM_000535.7 (MANE Select); coding-DNA position 624, A replaced by G.
Protein change: p.Gln208=; no amino-acid change (glutamine 208 retained).
Molecular consequence: synonymous variant. On other transcripts: 5 prime UTR variant (2), non-coding transcript variant (1), intron variant (1).
Genome position (GRCh38, 1-based): chr7:5,999,189, T>C on the plus strand (A>G on the coding strand, the complement: PMS2 is on the minus strand). VCF-style: chr7-5999189-T-C. GRCh37 (hg19) VCF-style: chr7-6038820-T-C.
Other names: c.219A>G, p.Gln73= (NM_001322003.2, NM_001322004.2, NM_001322005.2 and 2 more transcripts); c.624A>G, p.Gln208= (NM_001322006.2, NM_001322014.2); c.306A>G, p.Gln102= (NM_001322007.2, NM_001322008.2); c.-310A>G (NM_001322011.2, NM_001322012.2); c.315A>G, p.Gln105= (NM_001322015.2); c.133-1766A>G (NM_001322013.2).
Identifiers: ClinVar variation 1329424 (VCV001329424.4), dbSNP rs2128800667, ClinGen allele CA453647023.
Genomic context (GRCh38, chr7:5,999,189, plus strand): 5'-GCCGATATTTTCCTTTATGCTGGGGCTTCCACCTGTGCATACCACAGGCTGTCGTTTTCC[T>C]TGTCCAAGCTGATTGGTGCAACTTACACGGATGCCTGCTGAAATGATACAGTATGCATGT-3'
Protein context (NP_000526.2, residues 198-218): IRVSCTNQLG[Gln208=]GKRQPVVCTG

ClinVar aggregate classification (germline): Benign/Likely benign. Review status: criteria provided, multiple submitters, no conflicts (2 of 4 stars). 3 submissions from 3 submitters: Benign (1); Likely benign (2). Last evaluated 2025-01-27.

Conditions:
Hereditary cancer-predisposing syndrome. Also called: Hereditary Cancer Syndrome; Tumor predisposition; Neoplastic Syndromes, Hereditary; Hereditary neoplastic syndrome. Identifiers: Orphanet 140162, MedGen C0027672, MeSH D009386, MONDO:0015356.
Breast and/or ovarian cancer. Identifiers: MedGen CN221562.
Lynch syndrome 4 (LYNCH4). Also called: Colorectal cancer, hereditary nonpolyposis, type 4; Hereditary non-polyposis colorectal cancer, type 4. Identifiers: Orphanet 144, MedGen C1838333, MONDO:0013699, OMIM 614337. Disease mechanism: loss of function.

Allele frequency attached by ClinVar (database versions not stated): gnomAD exomes below 0.00001.
gnomAD v4.1: 1 of 1,614,118 alleles (0.000062%); highest among the groups gnomAD compares: Non-Finnish European, 0.000085%; no homozygotes.

Submissions (3):

Myriad Genetics, Inc.
Classification: Benign for Lynch syndrome 4. Last evaluated: 2025-01-27. Review status: criteria provided, single submitter. Criteria: Myriad Autosomal Dominant, Autosomal Recessive and X-Linked Classification Criteria (2023). Collection method: clinical testing. Allele origin: unknown.
Comment: This variant is considered benign. This variant is a silent/synonymous amino acid change and it is not expected to impact splicing.

Ambry Genetics
Classification: Likely benign for Hereditary cancer-predisposing syndrome. Last evaluated: 2024-03-09. Review status: criteria provided, single submitter. Criteria: Ambry Variant Classification Scheme 2023. Collection method: clinical testing. Allele origin: germline.

CHEO Genetics Diagnostic Laboratory, Children's Hospital of Eastern Ontario
Classification: Likely benign for Breast and/or ovarian cancer. Last evaluated: 2019-10-31. Review status: criteria provided, single submitter. Criteria: ACMG Guidelines, 2015. Collection method: clinical testing. Allele origin: germline.